The following is an entry in ClinVar:

ClinVar aggregate classification (germline): Uncertain significance (1 of 4 stars; one submission).

Allele frequency attached by ClinVar (database versions not stated): TOPMed below 0.00001; gnomAD 0.00002; ExAC 0.00003; 1000 Genomes Project 30x 0.00031; 1000 Genomes Project 0.00040.
gnomAD v4.1: 61 of 1,614,134 alleles (0.0038%); highest among the groups gnomAD compares: South Asian, 0.065%; 3 homozygotes.

Submission:

Labcorp Genetics (formerly Invitae), Labcorp
Classification: Uncertain significance. Last evaluated: 2022-01-06. Review status: criteria provided, single submitter. Criteria: Invitae Variant Classification Sherloc (09022015). Collection method: clinical testing. Allele origin: germline.
Comment: In summary, the available evidence is currently insufficient to determine the role of this variant in disease. Therefore, it has been classified as a Variant of Uncertain Significance. Algorithms developed to predict the effect of missense changes on protein structure and function (SIFT, PolyPhen-2, Align-GVGD) all suggest that this variant is likely to be tolerated. This variant has not been reported in the literature in individuals affected with MACF1-related conditions. This variant is present in population databases (rs556787327, gnomAD 0.06%), and has an allele count higher than expected for a pathogenic variant. This sequence change replaces threonine, which is neutral and polar, with isoleucine, which is neutral and non-polar, at codon 1693 of the MACF1 protein (p.Thr1693Ile).

NM_001394062.1(MACF1):c.11264C>T (p.Thr3755Ile)

Gene: MACF1 (microtubule actin crosslinking factor 1; plus strand). Cytogenetic location: 1p34.3.
Variant type: single nucleotide variant.
Coding change: c.11264C>T on transcript NM_001394062.1 (MANE Select); coding-DNA position 11264, C replaced by T.
Protein change: p.Thr3755Ile; replaces threonine 3755 with isoleucine.
Molecular consequence: missense variant.
Genome position (GRCh38, 1-based): chr1:39,353,071, C>T. VCF-style: chr1-39353071-C-T. GRCh37 (hg19) VCF-style: chr1-39818743-C-T.
Other names: c.5078C>T, p.Thr1693Ile (NM_012090.5); short protein forms T1693I, T3755I.
Identifiers: ClinVar variation 2076553 (VCV002076553.4), dbSNP rs556787327, ClinGen allele CA781554.